The following is an entry in ClinVar:

NM_002439.5(MSH3):c.1426T>A (p.Tyr476Asn)

Gene: MSH3 (mutS homolog 3; plus strand). Cytogenetic location: 5q14.1.
Variant type: single nucleotide variant.
Coding change: c.1426T>A on transcript NM_002439.5 (MANE Select); coding-DNA position 1426, T replaced by A.
Protein change: p.Tyr476Asn; replaces tyrosine 476 with asparagine.
Molecular consequence: missense variant.
Genome position (GRCh38, 1-based): chr5:80,725,538, T>A. VCF-style: chr5-80725538-T-A. GRCh37 (hg19) VCF-style: chr5-80021357-T-A.
Other names: short protein forms Y476N.
Identifiers: ClinVar variation 2753931 (VCV002753931.3), dbSNP rs758556156, ClinGen allele CA360273659.
Genomic context (GRCh38, chr5:80,725,538, plus strand): 5'-GAAAGGATGGATAACATTTATTTTGAATACAGCCATGCTTTCCAGGCAGTTACAGAGTTT[T>A]ATGCAAAAGATACAGTTGACATCAAAGGTAAATATTTTCCCTGTATGTCCTCAAGTTGAA-3'
Protein context (NP_002430.3, residues 466-486): SHAFQAVTEF[Tyr476Asn]AKDTVDIKGS

ClinVar aggregate classification (germline): Uncertain significance (1 of 4 stars; one submission).

Submission:

Labcorp Genetics (formerly Invitae), Labcorp
Classification: Uncertain significance. Last evaluated: 2023-08-19. Review status: criteria provided, single submitter. Criteria: Invitae Variant Classification Sherloc (09022015). Collection method: clinical testing. Allele origin: germline.
Comment: This sequence change replaces tyrosine, which is neutral and polar, with asparagine, which is neutral and polar, at codon 476 of the MSH3 protein (p.Tyr476Asn). This variant is not present in population databases (gnomAD no frequency). This variant has not been reported in the literature in individuals affected with MSH3-related conditions. An algorithm developed to predict the effect of missense changes on protein structure and function (PolyPhen-2) suggests that this variant is likely to be disruptive. In summary, the available evidence is currently insufficient to determine the role of this variant in disease. Therefore, it has been classified as a Variant of Uncertain Significance.